The following is an entry in ClinVar:

NM_017780.4(CHD7):c.6376G>T (p.Asp2126Tyr)

Gene: CHD7 (chromodomain helicase DNA binding protein 7; plus strand). Cytogenetic location: 8q12.2.
Variant type: single nucleotide variant.
Coding change: c.6376G>T on transcript NM_017780.4 (MANE Select); coding-DNA position 6376, G replaced by T.
Protein change: p.Asp2126Tyr; replaces aspartic acid 2126 with tyrosine.
Molecular consequence: missense variant. On other transcripts: intron variant (1).
Genome position (GRCh38, 1-based): chr8:60,853,101, G>T. VCF-style: chr8-60853101-G-T. GRCh37 (hg19) VCF-style: chr8-61765660-G-T.
Other names: c.1717-9128G>T (NM_001316690.1); short protein forms D2126Y.
Identifiers: ClinVar variation 856430 (VCV000856430.9), dbSNP rs1162346018, ClinGen allele CA371324959.

ClinVar aggregate classification (germline): Uncertain significance (1 of 4 stars; one submission).

Conditions:
CHARGE syndrome (CHARGE). Also called: CHARGE ASSOCIATION--COLOBOMA, HEART ANOMALY, CHOANAL ATRESIA, RETARDATION, GENITAL AND EAR ANOMALIES; Coloboma, heart anomaly, choanal atresia, retardation, genital and ear anomalies; CHARGE association; Hall-Hittner syndrome; Hittner Hirsch Kreh syndrome. Identifiers: Orphanet 138, MedGen C0265354, MONDO:0008965.

gnomAD v4.1: 4 of 1,613,894 alleles (0.00025%); highest among the groups gnomAD compares: Non-Finnish European, 0.00034%; no homozygotes.

Submission:

Labcorp Genetics (formerly Invitae), Labcorp
Classification: Uncertain significance for CHARGE syndrome. Last evaluated: 2022-08-23. Review status: criteria provided, single submitter. Criteria: Invitae Variant Classification Sherloc (09022015). Collection method: clinical testing. Allele origin: germline.
Comment: This sequence change replaces aspartic acid, which is acidic and polar, with tyrosine, which is neutral and polar, at codon 2126 of the CHD7 protein (p.Asp2126Tyr). This variant is not present in population databases (gnomAD no frequency). This variant has not been reported in the literature in individuals affected with CHD7-related conditions. ClinVar contains an entry for this variant (Variation ID: 856430). Advanced modeling of protein sequence and biophysical properties (such as structural, functional, and spatial information, amino acid conservation, physicochemical variation, residue mobility, and thermodynamic stability) performed at Invitae indicates that this missense variant is not expected to disrupt CHD7 protein function. Algorithms developed to predict the effect of sequence changes on RNA splicing suggest that this variant may create or strengthen a splice site. In summary, the available evidence is currently insufficient to determine the role of this variant in disease. Therefore, it has been classified as a Variant of Uncertain Significance.